The following is an entry in ClinVar:

NM_014991.6(WDFY3):c.4970+5G>C

Gene: WDFY3 (WD repeat and FYVE domain containing 3; minus strand). Cytogenetic location: 4q21.23.
Variant type: single nucleotide variant.
Coding change: c.4970+5G>C on transcript NM_014991.6 (MANE Select); 5 bases into the intron after coding-DNA position 4970, G replaced by C.
Molecular consequence: intron variant.
Genome position (GRCh38, 1-based): chr4:84,766,247, C>G on the plus strand (G>C on the coding strand, the complement: WDFY3 is on the minus strand). VCF-style: chr4-84766247-C-G. GRCh37 (hg19) VCF-style: chr4-85687400-C-G.
Identifiers: ClinVar variation 4634623 (VCV004634623.1).

ClinVar aggregate classification (germline): Uncertain significance (1 of 4 stars; one submission).

Conditions:
Inborn genetic diseases. Identifiers: MedGen C0950123, MeSH D030342.

Submission:

Ambry Genetics
Classification: Uncertain significance for Inborn genetic diseases. Last evaluated: 2025-10-21. Review status: criteria provided, single submitter. Criteria: Ambry Variant Classification Scheme 2023. Collection method: clinical testing. Allele origin: germline.
Comment: The c.4970+5G>C intronic alteration consists of a G to C substitution 5 nucleotides after exon 31 (coding exon 28) of the WDFY3 gene. This variant was not reported in population-based cohorts in the Genome Aggregation Database (gnomAD). This nucleotide position is highly conserved in available vertebrate species. In silico splice site analysis predicts that this alteration will weaken the native splice donor site. Based on insufficient or conflicting evidence, the clinical significance of this alteration remains unclear.